The following is an entry in ClinVar:

ClinVar aggregate classification (germline): Pathogenic. Review status: reviewed by expert panel (3 of 4 stars). 3 submissions from 3 submitters: Pathogenic (1). 2 of the submissions do not count toward it. Last evaluated 2016-10-18.

Conditions:
Breast-ovarian cancer, familial, susceptibility to, 1 (BROVCA1). Also called: BRCA1 Hereditary Breast and Ovarian Cancer; OVARIAN CANCER, SUSCEPTIBILITY TO. Identifiers: Orphanet 145, MedGen C2676676, MONDO:0011450, OMIM 604370. Disease mechanism: loss of function.
Hereditary breast ovarian cancer syndrome. Also called: BRCA1- and BRCA2-Associated Hereditary Breast and Ovarian Cancer; Hereditary breast and ovarian cancer syndrome; Hereditary breast and ovarian cancer syndrome (HBOC); Breast and ovarian cancer; Hereditary breast and/or ovarian cancer syndrome; Hereditary breast and ovarian cancer. Identifiers: Orphanet 145, MedGen C0677776, MeSH D061325, MONDO:0003582. Disease mechanism: loss of function.

Submissions (3):

Evidence-based Network for the Interpretation of Germline Mutant Alleles (ENIGMA)
Classification: Pathogenic for Breast-ovarian cancer, familial, susceptibility to, 1. Last evaluated: 2016-10-18. Review status: reviewed by expert panel. Criteria: ENIGMA BRCA1/2 Classification Criteria (2015). Collection method: curation. Allele origin: germline.
Comment: Variant allele predicted to encode a truncated non-functional protein.

Consortium of Investigators of Modifiers of BRCA1/2 (CIMBA), c/o University of Cambridge
Classification: Pathogenic for Breast-ovarian cancer, familial, susceptibility to, 1. Last evaluated: 2015-10-02. Review status: criteria provided, single submitter. Criteria: CIMBA Mutation Classification guidelines May 2016. Collection method: clinical testing. Allele origin: germline. Not counted in ClinVar's aggregate classification.

Research Molecular Genetics Laboratory, Women's College Hospital, University of Toronto
Classification: Pathogenic for Hereditary breast ovarian cancer syndrome. Last evaluated: 2014-01-31. Review status: no assertion criteria provided. Collection method: research. Allele origin: germline. Affected: yes. Study: The Canadian Open Genetics Repository (COGR). Not counted in ClinVar's aggregate classification.

NM_007294.4(BRCA1):c.4167_4168del (p.Ser1389fs)

Gene: BRCA1 (BRCA1 DNA repair associated; minus strand). Cytogenetic location: 17q21.31.
Variant type: Deletion.
Coding change: c.4167_4168del on transcript NM_007294.4 (MANE Select); coding-DNA positions 4167 to 4168, 2 bases deleted (TG; older notation c.4167_4168delTG).
Protein change: p.Ser1389fs; shifts the reading frame from serine 1389.
Molecular consequence: frameshift variant. On other transcripts: non-coding transcript variant (1).
Genome position (GRCh38, 1-based): chr17:43,090,961-43,090,962, CA deleted on the plus strand (TG on the coding strand, the reverse complement: BRCA1 is on the minus strand); deleting any 2 consecutive bases within chr17:43,090,961-43,090,963 gives the same sequence; the c. name uses the placement nearest the transcript's 3' end. VCF-style (leftmost placement, unchanged base first): chr17-43090960-TCA-T. GRCh37 (hg19) VCF-style: chr17-41242977-TCA-T.
Other names: 4286delTG; c.4167_4168delTG (NM_007294.3); c.3956_3957delGT, p.Ser1319Argfs (NM_001407882.1, NM_001407884.1, NM_001407885.1 and 13 more transcripts); c.3953_3954delGT, p.Ser1318Argfs (NM_001407894.1, NM_001407895.1, NM_001407896.1 and 9 more transcripts); c.4043_4044delGT, p.Ser1348Argfs (NM_001407919.1, NM_001407937.1, NM_001407938.1 and 19 more transcripts); c.3902_3903delGT, p.Ser1301Argfs (NM_001407920.1, NM_001407921.1, NM_001407922.1 and 9 more transcripts); c.3899_3900delGT, p.Ser1300Argfs (NM_001407930.1, NM_001407931.1, NM_001407932.1 and 2 more transcripts); c.4040_4041delGT, p.Ser1347Argfs (NM_001407940.1, NM_001407941.1, NM_001407649.1 and 11 more transcripts); and 46 more; short protein forms S1389fs, S286fs, S1342fs.
Identifiers: ClinVar variation 55120 (VCV000055120.7), dbSNP rs397509144, ClinGen allele CA002666.